The following is an entry in ClinVar:

ClinVar aggregate classification (germline): Uncertain significance (1 of 4 stars; one submission).

gnomAD v4.1: 1 of 1,612,426 alleles (0.000062%); no homozygotes.

Submission:

Labcorp Genetics (formerly Invitae), Labcorp
Classification: Uncertain significance. Last evaluated: 2022-11-19. Review status: criteria provided, single submitter. Criteria: Invitae Variant Classification Sherloc (09022015). Collection method: clinical testing. Allele origin: germline.
Comment: In summary, the available evidence is currently insufficient to determine the role of this variant in disease. Therefore, it has been classified as a Variant of Uncertain Significance. Advanced modeling of protein sequence and biophysical properties (such as structural, functional, and spatial information, amino acid conservation, physicochemical variation, residue mobility, and thermodynamic stability) performed at Invitae indicates that this missense variant is not expected to disrupt LZTR1 protein function. ClinVar contains an entry for this variant (Variation ID: 1386695). This variant has not been reported in the literature in individuals affected with LZTR1-related conditions. This variant is not present in population databases (gnomAD no frequency). This sequence change replaces alanine, which is neutral and non-polar, with threonine, which is neutral and polar, at codon 586 of the LZTR1 protein (p.Ala586Thr).

NM_006767.4(LZTR1):c.1756G>A (p.Ala586Thr)

Gene: LZTR1 (leucine zipper like post translational regulator 1; plus strand). Cytogenetic location: 22q11.21.
Variant type: single nucleotide variant.
Coding change: c.1756G>A on transcript NM_006767.4 (MANE Select); coding-DNA position 1756, G replaced by A.
Protein change: p.Ala586Thr; replaces alanine 586 with threonine.
Molecular consequence: missense variant.
Genome position (GRCh38, 1-based): chr22:20,994,698, G>A. VCF-style: chr22-20994698-G-A. GRCh37 (hg19) VCF-style: chr22-21348987-G-A.
Other names: short protein forms A586T.
Identifiers: ClinVar variation 1386695 (VCV001386695.6), dbSNP rs2147968073, ClinGen allele CA410778231.